The following is an entry in ClinVar:

NM_198525.3(KIF7):c.1637G>A (p.Gly546Glu)

Gene: KIF7 (kinesin family member 7; minus strand). Cytogenetic location: 15q26.1.
Variant type: single nucleotide variant.
Coding change: c.1637G>A on transcript NM_198525.3 (MANE Select); coding-DNA position 1637, G replaced by A.
Protein change: p.Gly546Glu; replaces glycine 546 with glutamic acid.
Molecular consequence: missense variant.
Genome position (GRCh38, 1-based): chr15:89,646,981, C>T on the plus strand (G>A on the coding strand, the complement: KIF7 is on the minus strand). VCF-style: chr15-89646981-C-T. GRCh37 (hg19) VCF-style: chr15-90190212-C-T.
Other names: short protein forms G546E.
Identifiers: ClinVar variation 1307645 (VCV001307645.2), dbSNP rs1221535786, ClinGen allele CA393767734.

ClinVar aggregate classification (germline): Uncertain significance (1 of 4 stars; one submission).

Allele frequency attached by ClinVar (database versions not stated): gnomAD exomes below 0.00001.
gnomAD v4.1: 5 of 1,613,320 alleles (0.00031%); highest among the groups gnomAD compares: South Asian, 0.0044%; no homozygotes.

Submission:

GeneDx
Classification: Uncertain significance. Last evaluated: 2019-03-13. Review status: criteria provided, single submitter. Criteria: GeneDx Variant Classification Process June 2021. Collection method: clinical testing. Allele origin: germline. Affected: yes.
Comment: Not observed at a significant frequency in large population cohorts (Lek et al., 2016; McVean et al., 2012; Exome Variant Server); In silico analysis, which includes protein predictors and evolutionary conservation, supports that this variant does not alter protein structure/function; Has not been previously published as pathogenic or benign to our knowledge